The following is an entry in ClinVar:

NM_014874.4(MFN2):c.*26G>A

Gene: MFN2 (mitofusin 2; plus strand). Cytogenetic location: 1p36.22.
Variant type: single nucleotide variant.
Coding change: c.*26G>A on transcript NM_014874.4 (MANE Select); 26 bases downstream of the stop codon, G replaced by A.
Molecular consequence: 3 prime UTR variant.
Genome position (GRCh38, 1-based): chr1:12,011,591, G>A. VCF-style: chr1-12011591-G-A. GRCh37 (hg19) VCF-style: chr1-12071648-G-A.
Other names: c.*26G>A (NM_001127660.2).
Identifiers: ClinVar variation 874805 (VCV000874805.4), dbSNP rs374800481, ClinGen allele CA599397.

ClinVar aggregate classification (germline): Benign/Likely benign. Review status: criteria provided, single submitter (1 of 4 stars). 2 submissions from 1 submitter: Benign (1); Likely benign (1). Last evaluated 2018-01-13.

Conditions:
Charcot-Marie-Tooth disease type 2. Also called: Charcot-Marie-Tooth type 2. Identifiers: Orphanet 64746, MedGen C0270914, MONDO:0018993.
Hereditary motor and sensory neuropathy with optic atrophy. Also called: PERIPHERAL NEUROPATHY AND OPTIC ATROPHY; CHARCOT-MARIE-TOOTH DISEASE, TYPE 6. Identifiers: Orphanet 90120, MedGen C0393807, MONDO:0019551.

Allele frequency attached by ClinVar (database versions not stated): ESP Exome Variant Server 0.00023; gnomAD exomes 0.00018; gnomAD 0.00011; ExAC 0.00012; TOPMed 0.00012.
gnomAD v4.1: 151 of 1,612,338 alleles (0.0094%); highest among the groups gnomAD compares: Non-Finnish European, 0.0018%; no homozygotes.

Submissions (2):

Illumina Laboratory Services, Illumina
Classification: Likely benign for Charcot-Marie-Tooth disease, type 2. Last evaluated: 2018-01-13. Review status: criteria provided, single submitter. Criteria: ICSL Variant Classification Criteria 13 December 2019. Collection method: clinical testing. Allele origin: germline.
Comment: This variant was observed in the ICSL laboratory as part of a predisposition screen in an ostensibly healthy population. It had not been previously curated by ICSL or reported in the Human Gene Mutation Database (HGMD: prior to June 1st, 2018), and was therefore a candidate for classification through an automated scoring system. Utilizing variant allele frequency, disease prevalence and penetrance estimates, and inheritance mode, an automated score was calculated to assess if this variant is too frequent to cause the disease. Based on the score and internal cut-off values, a variant classified as likely benign is not then subjected to further curation. The score for this variant resulted in a classification of likely benign for this disease.

Illumina Laboratory Services, Illumina
Classification: Benign for Neuropathy, hereditary motor and sensory, type 6A. Last evaluated: 2018-01-13. Review status: criteria provided, single submitter. Criteria: ICSL Variant Classification Criteria 13 December 2019. Collection method: clinical testing. Allele origin: germline.
Comment: This variant was observed in the ICSL laboratory as part of a predisposition screen in an ostensibly healthy population. It had not been previously curated by ICSL or reported in the Human Gene Mutation Database (HGMD: prior to June 1st, 2018), and was therefore a candidate for classification through an automated scoring system. Utilizing variant allele frequency, disease prevalence and penetrance estimates, and inheritance mode, an automated score was calculated to assess if this variant is too frequent to cause the disease. Based on the score and internal cut-off values, a variant classified as benign is not then subjected to further curation. The score for this variant resulted in a classification of benign for this disease.